The following is an entry in ClinVar:

ClinVar aggregate classification (germline): Conflicting classifications of pathogenicity. Review status: criteria provided, conflicting classifications (1 of 4 stars). 2 submissions from 2 submitters: Likely pathogenic (1); Uncertain significance (1). Last evaluated 2024-04-23.

Conditions:
Inborn genetic diseases. Identifiers: MedGen C0950123, MeSH D030342.

Submissions (2):

Ambry Genetics
Classification: Uncertain significance for Inborn genetic diseases. Last evaluated: 2024-04-23. Review status: criteria provided, single submitter. Criteria: Ambry Variant Classification Scheme 2023. Collection method: clinical testing. Allele origin: germline.

Labcorp Genetics (formerly Invitae), Labcorp
Classification: Likely pathogenic. Last evaluated: 2023-03-01. Review status: criteria provided, single submitter. Criteria: Invitae Variant Classification Sherloc (09022015). Collection method: clinical testing. Allele origin: germline.
Comment: An algorithm developed to predict the effect of missense changes on protein structure and function (PolyPhen-2) suggests that this variant is likely to be disruptive. In summary, the currently available evidence indicates that the variant is pathogenic, but additional data are needed to prove that conclusively. Therefore, this variant has been classified as Likely Pathogenic. This missense change has been observed in individual(s) with hypogonadotropic hypogonadism (Invitae). In at least one individual the variant was observed to be de novo. This sequence change replaces arginine, which is basic and polar, with proline, which is neutral and non-polar, at codon 129 of the FGF8 protein (p.Arg129Pro). This variant is not present in population databases (gnomAD no frequency).

NM_033163.5(FGF8):c.386G>C (p.Arg129Pro)

Gene: FGF8 (fibroblast growth factor 8; minus strand). Cytogenetic location: 10q24.32.
Variant type: single nucleotide variant.
Coding change: c.386G>C on transcript NM_033163.5 (MANE Select); coding-DNA position 386, G replaced by C.
Protein change: p.Arg129Pro; replaces arginine 129 with proline.
Molecular consequence: missense variant.
Genome position (GRCh38, 1-based): chr10:101,771,521, C>G on the plus strand (G>C on the coding strand, the complement: FGF8 is on the minus strand). VCF-style: chr10-101771521-C-G. GRCh37 (hg19) VCF-style: chr10-103531278-C-G.
Other names: c.386G>C (NM_033163.3); c.74G>C, p.Arg25Pro (NM_001206389.2); c.299G>C, p.Arg100Pro (NM_006119.6); c.353G>C, p.Arg118Pro (NM_033164.4); c.266G>C, p.Arg89Pro (NM_033165.5); short protein forms R129P, R25P, R118P, R100P, R89P.
Identifiers: ClinVar variation 2874053 (VCV002874053.4), dbSNP rs769756528, ClinGen allele CA377834433.
Genomic context (GRCh38, chr10:101,771,521, plus strand): 5'-ACCTTGGCGATCAGCTTCCCCTTCTTGTTCATGCAGATGTAGAGGCCCGTCTCGGCTCCT[C>G]GGACTCGAACTCTGCTTCCAAAGGTGTCCGTCTCCACGATGAGCTTTGCTGTCAGAGAAG-3'
Protein context (NP_149353.1, residues 119-139): TDTFGSRVRV[Arg129Pro]GAETGLYICM